The following is an entry in ClinVar:

ClinVar aggregate classification (germline): Likely pathogenic (1 of 4 stars; one submission).

Conditions:
Nephrotic syndrome, type 4 (NPHS4). Also called: Familial mesangial sclerosis; Nephrotic syndrome, early onset with diffuse mesangial sclerosis. Identifiers: Orphanet 656, MedGen C3151568, MONDO:0009733, OMIM 256370.

Submission:

Rady Children's Institute for Genomic Medicine, Rady Children's Hospital San Diego
Classification: Likely pathogenic for Nephrotic syndrome, type 4. Last evaluated: 2020-01-24. Review status: criteria provided, single submitter. Criteria: ACMG Guidelines, 2015. Collection method: clinical testing. Allele origin: de novo. Inheritance: Autosomal dominant inheritance. Affected: yes. Observed: 1 heterozygote.
Comment: This variant has not been previously reported or functionally characterized in the literature to our knowledge. It is absent from the ExAC and gnomAD population databases and thus is presumed to be rare. The c.485T>A (p.Val162Asp) variant, found in exon 1/10, is predicted by in silico tools to have a deleterious effect on protein function. Analysis of the parental samples was negative for the variant, indicating this variant likely occurred as a de novo event. However, low-level parental mosaicism cannot be excluded. Based on the available evidence, the c.485T>A (p.Val162Asp) variant is classified as Likely Pathogenic.

NM_024426.6(WT1):c.500T>A (p.Val167Asp)

Genes: WT1 (WT1 transcription factor; minus strand), LOC107982234 (WT1/WT1-AS bi-directional promoter region; plus strand). Cytogenetic location: 11p13.
Variant type: single nucleotide variant.
Coding change: c.500T>A on transcript NM_024426.6 (MANE Select); coding-DNA position 500, T replaced by A.
Protein change: p.Val167Asp; replaces valine 167 with aspartic acid.
Molecular consequence: missense variant. On other transcripts: non-coding transcript variant (1).
Genome position (GRCh38, 1-based): chr11:32,434,861, A>T on the plus strand (T>A on the coding strand, the complement: WT1 is on the minus strand). VCF-style: chr11-32434861-A-T. GRCh37 (hg19) VCF-style: chr11-32456407-A-T.
Other names: c.500T>A, p.Val167Asp (NM_000378.6, NM_001407044.1, NM_001407045.1 and 6 more transcripts); c.485T>A, p.Val162Asp (NM_024425.2); short protein forms V167D, V162D.
Identifiers: ClinVar variation 872897 (VCV000872897.2), dbSNP rs1853443391, ClinGen allele CA379964866.
Genomic context (GRCh38, chr11:32,434,861, plus strand): 5'-GGACCGAAGGGCCCGTAGCGACAGGCTCCGGCTGTGCCAGTGAACTGGCCGGAAAAGTGG[A>T]CAGTGAAGGCGCTCAGGCACTGCTCCTCGTGCGGCTCCGCGCCGCCCCAGCTCGGCTCCT-3'
Protein context (NP_077744.4, residues 157-177): HEEQCLSAFT[Val167Asp]HFSGQFTGTA